The following is an entry in ClinVar:

ClinVar aggregate classification (germline): Uncertain significance (1 of 4 stars; one submission).

Conditions:
Catecholaminergic polymorphic ventricular tachycardia 1. Also called: VENTRICULAR TACHYCARDIA, STRESS-INDUCED POLYMORPHIC 1; RYR2-Related Catecholaminergic Polymorphic Ventricular Tachycardia; VENTRICULAR TACHYCARDIA, CATECHOLAMINERGIC POLYMORPHIC, 1, WITH OR WITHOUT ATRIAL DYSFUNCTION AND/OR DILATED CARDIOMYOPATHY. Identifiers: Orphanet 3286, MedGen C1631597, MONDO:0011484, OMIM 604772.

Submission:

Labcorp Genetics (formerly Invitae), Labcorp
Classification: Uncertain significance for Catecholaminergic polymorphic ventricular tachycardia 1. Last evaluated: 2023-06-21. Review status: criteria provided, single submitter. Criteria: Invitae Variant Classification Sherloc (09022015). Collection method: clinical testing. Allele origin: germline.
Comment: In summary, the available evidence is currently insufficient to determine the role of this variant in disease. Therefore, it has been classified as a Variant of Uncertain Significance. Advanced modeling of protein sequence and biophysical properties (such as structural, functional, and spatial information, amino acid conservation, physicochemical variation, residue mobility, and thermodynamic stability) has been performed at Invitae for this missense variant, however the output from this modeling did not meet the statistical confidence thresholds required to predict the impact of this variant on RYR2 protein function. This sequence change replaces alanine, which is neutral and non-polar, with serine, which is neutral and polar, at codon 2194 of the RYR2 protein (p.Ala2194Ser). This variant is not present in population databases (gnomAD no frequency). This variant has not been reported in the literature in individuals affected with RYR2-related conditions.

NM_001035.3(RYR2):c.6580G>T (p.Ala2194Ser)

Gene: RYR2 (ryanodine receptor 2; plus strand). Cytogenetic location: 1q43.
Variant type: single nucleotide variant.
Coding change: c.6580G>T on transcript NM_001035.3 (MANE Select); coding-DNA position 6580, G replaced by T.
Protein change: p.Ala2194Ser; replaces alanine 2194 with serine.
Molecular consequence: missense variant.
Genome position (GRCh38, 1-based): chr1:237,633,602, G>T. VCF-style: chr1-237633602-G-T. GRCh37 (hg19) VCF-style: chr1-237796902-G-T.
Other names: short protein forms A2194S.
Identifiers: ClinVar variation 2720334 (VCV002720334.3), dbSNP rs2546926581, ClinGen allele CA345393965.